The following is an entry in ClinVar:

ClinVar aggregate classification (germline): Conflicting classifications of pathogenicity. Review status: criteria provided, conflicting classifications (1 of 4 stars). 3 submissions from 3 submitters: Uncertain significance (1); Likely benign (2). Last evaluated 2025-08-18.

Conditions:
Aldosterone-producing adenoma with seizures and neurological abnormalities. Also called: Primary aldosteronism, seizures, and neurologic abnormalities. Identifiers: Orphanet 369929, MedGen C3809609, MONDO:0014200, OMIM 615474.

Allele frequency attached by ClinVar (database versions not stated): gnomAD exomes below 0.00001 and 0.00001; gnomAD 0.00001; TOPMed 0.00001.
gnomAD v4.1: 16 of 1,603,432 alleles (0.001%); highest among the groups gnomAD compares: African/African-American, 0.0013%; no homozygotes.

Submissions (3):

Labcorp Genetics (formerly Invitae), Labcorp
Classification: Likely benign. Last evaluated: 2025-08-18. Review status: criteria provided, single submitter. Criteria: Invitae Variant Classification Sherloc (09022015). Collection method: clinical testing. Allele origin: germline.

Blueprint Genetics
Classification: Likely benign. Last evaluated: 2024-08-29. Review status: criteria provided, single submitter. Criteria: ACMG Guidelines, 2015. Collection method: clinical testing. Allele origin: germline.

Baylor Genetics
Classification: Uncertain significance for Aldosterone-producing adenoma with seizures and neurological abnormalities. Last evaluated: 2018-06-30. Review status: criteria provided, single submitter. Criteria: ACMG Guidelines, 2015. Collection method: clinical testing. Allele origin: paternal. Affected: yes.
Comment: This variant was determined to be of uncertain significance according to ACMG Guidelines, 2015 [PMID:25741868].

NM_001128840.3(CACNA1D):c.4924-6A>G

Gene: CACNA1D (calcium voltage-gated channel subunit alpha1 D; plus strand). Cytogenetic location: 3p21.1.
Variant type: single nucleotide variant.
Coding change: c.4924-6A>G on transcript NM_001128840.3 (MANE Select); 6 bases into the intron before coding-DNA position 4924, A replaced by G.
Molecular consequence: intron variant.
Genome position (GRCh38, 1-based): chr3:53,800,243, A>G. VCF-style: chr3-53800243-A-G. GRCh37 (hg19) VCF-style: chr3-53834270-A-G.
Other names: c.4879-6A>G (NM_001128839.3); c.4984-6A>G (NM_000720.4).
Identifiers: ClinVar variation 1032455 (VCV001032455.11), dbSNP rs1475661078, ClinGen allele CA543193511.